The following is an entry in ClinVar:

ClinVar aggregate classification (germline): Conflicting classifications of pathogenicity. Review status: criteria provided, conflicting classifications (1 of 4 stars). 3 submissions from 3 submitters: Uncertain significance (1); Benign (1); Likely benign (1). Last evaluated 2026-02-01.

Conditions:
Inborn genetic diseases. Identifiers: MedGen C0950123, MeSH D030342.

Allele frequency attached by ClinVar (database versions not stated): ExAC 0.00017; gnomAD exomes 0.00019 and 0.00033; gnomAD 0.00024; TOPMed 0.00031; ESP Exome Variant Server 0.00038.
gnomAD v4.1: 509 of 1,611,926 alleles (0.032%); highest among the groups gnomAD compares: Non-Finnish European, 0.041%; no homozygotes.

Submissions (3):

Labcorp Genetics (formerly Invitae), Labcorp
Classification: Benign. Last evaluated: 2026-02-01. Review status: criteria provided, single submitter. Criteria: Invitae Variant Classification Sherloc (09022015). Collection method: clinical testing. Allele origin: germline.

CeGaT Center for Human Genetics Tuebingen
Classification: Likely benign. Last evaluated: 2024-09-01. Review status: criteria provided, single submitter. Criteria: CeGaT Center For Human Genetics Tuebingen Variant Classification Criteria Version 2. Collection method: clinical testing. Allele origin: germline. Affected: yes. Observed: 1 variant allele.
Comment: MAP3K7: BS1

Ambry Genetics
Classification: Uncertain significance for Inborn genetic diseases. Last evaluated: 2022-06-21. Review status: criteria provided, single submitter. Criteria: Ambry Variant Classification Scheme 2023. Collection method: clinical testing. Allele origin: germline.

NM_145331.3(MAP3K7):c.775A>G (p.Ile259Val)

Gene: MAP3K7 (mitogen-activated protein kinase kinase kinase 7; minus strand). Cytogenetic location: 6q15.
Variant type: single nucleotide variant.
Coding change: c.775A>G on transcript NM_145331.3 (MANE Select); coding-DNA position 775, A replaced by G.
Protein change: p.Ile259Val; replaces isoleucine 259 with valine.
Molecular consequence: missense variant.
Genome position (GRCh38, 1-based): chr6:90,552,141, T>C on the plus strand (A>G on the coding strand, the complement: MAP3K7 is on the minus strand). VCF-style: chr6-90552141-T-C. GRCh37 (hg19) VCF-style: chr6-91261860-T-C.
Other names: c.775A>G, p.Ile259Val (NM_003188.4, NM_145332.3, NM_145333.3); c.775A>G (NM_145331.1); short protein forms I259V.
Identifiers: ClinVar variation 1062113 (VCV001062113.24), dbSNP rs149444442, ClinGen allele CA3928560.
Genomic context (GRCh38, chr6:90,552,141, plus strand): 5'-CCTCCATTGAAGGGCGCTGGGAAGGATCTTTAGACCAACAACGAGTCATCAGGCTCTCAA[T>C]GGGCTTAGGTAAATTTTTTATCAGTGGTGGTCGAGTACCTACAATTGAAAATGAGAGGAA-3'
Protein context (NP_663304.1, residues 249-269): PPLIKNLPKP[Ile259Val]ESLMTRCWSK